The following is an entry in ClinVar:

ClinVar aggregate classification (germline): Uncertain significance (1 of 4 stars; one submission).

Submission:

Labcorp Genetics (formerly Invitae), Labcorp
Classification: Uncertain significance. Last evaluated: 2025-08-31. Review status: criteria provided, single submitter. Criteria: Invitae Variant Classification Sherloc (09022015). Collection method: clinical testing. Allele origin: germline.
Comment: This sequence change replaces leucine, which is neutral and non-polar, with phenylalanine, which is neutral and non-polar, at codon 68 of the COL11A2 protein (p.Leu68Phe). This variant is not present in population databases (gnomAD no frequency). This variant has not been reported in the literature in individuals affected with COL11A2-related conditions. Invitae Evidence Modeling of protein sequence and biophysical properties (such as structural, functional, and spatial information, amino acid conservation, physicochemical variation, residue mobility, and thermodynamic stability) indicates that this missense variant is not expected to disrupt COL11A2 protein function with a negative predictive value of 95%. In summary, the available evidence is currently insufficient to determine the role of this variant in disease. Therefore, it has been classified as a Variant of Uncertain Significance.

NM_080680.3(COL11A2):c.202C>T (p.Leu68Phe)

Gene: COL11A2 (collagen type XI alpha 2 chain; minus strand). Cytogenetic location: 6p21.32.
Variant type: single nucleotide variant.
Coding change: c.202C>T on transcript NM_080680.3 (MANE Select); coding-DNA position 202, C replaced by T.
Protein change: p.Leu68Phe; replaces leucine 68 with phenylalanine.
Molecular consequence: missense variant. On other transcripts: non-coding transcript variant (1), 5 prime UTR variant (3).
Genome position (GRCh38, 1-based): chr6:33,189,350, G>A on the plus strand (C>T on the coding strand, the complement: COL11A2 is on the minus strand). VCF-style: chr6-33189350-G-A. GRCh37 (hg19) VCF-style: chr6-33157127-G-A.
Other names: c.202C>T, p.Leu68Phe (NM_001163771.2, NM_001424108.1, NM_080679.3 and 1 more transcripts); c.-645C>T (NM_001424109.1, NM_001424110.1, NM_001424111.1); short protein forms L68F.
Identifiers: ClinVar variation 4746608 (VCV004746608.1).